The following is an entry in ClinVar:

ClinVar aggregate classification (germline): Uncertain significance (1 of 4 stars; one submission).

Conditions:
Inborn genetic diseases. Identifiers: MedGen C0950123, MeSH D030342.

Submission:

Ambry Genetics
Classification: Uncertain significance for Inborn genetic diseases. Last evaluated: 2024-11-18. Review status: criteria provided, single submitter. Criteria: Ambry Variant Classification Scheme 2023. Collection method: clinical testing. Allele origin: germline.
Comment: The p.T53A variant (also known as c.157A>G), located in coding exon 2 of the SBDS gene, results from an A to G substitution at nucleotide position 157. The threonine at codon 53 is replaced by alanine, an amino acid with similar properties. This amino acid position is conserved. In addition, this alteration is predicted to be deleterious by in silico analysis. Based on the available evidence, the clinical significance of this variant remains unclear.

NM_016038.4(SBDS):c.157A>G (p.Thr53Ala)

Gene: SBDS (SBDS ribosome maturation factor; minus strand). Cytogenetic location: 7q11.21.
Variant type: single nucleotide variant.
Coding change: c.157A>G on transcript NM_016038.4 (MANE Select); coding-DNA position 157, A replaced by G.
Protein change: p.Thr53Ala; replaces threonine 53 with alanine.
Molecular consequence: missense variant.
Genome position (GRCh38, 1-based): chr7:66,994,313, T>C on the plus strand (A>G on the coding strand, the complement: SBDS is on the minus strand). VCF-style: chr7-66994313-T-C. GRCh37 (hg19) VCF-style: chr7-66459300-T-C.
Other names: short protein forms T53A.
Identifiers: ClinVar variation 3437518 (VCV003437518.1).